The following is an entry in ClinVar:

ClinVar aggregate classification (germline): Uncertain significance. Review status: criteria provided, multiple submitters, no conflicts (2 of 4 stars). 2 submissions from 2 submitters: Uncertain significance (2). Last evaluated 2025-08-04.

Allele frequency attached by ClinVar (database versions not stated): ExAC 0.00016; ESP Exome Variant Server 0.00023; gnomAD 0.00036; TOPMed 0.00045; 1000 Genomes Project 30x 0.00078; 1000 Genomes Project 0.00080.
gnomAD v4.1: 124 of 1,515,702 alleles (0.0082%); highest among the groups gnomAD compares: African/African-American, 0.094%; 1 homozygote.

Submissions (2):

Ambry Genetics
Classification: Uncertain significance. Last evaluated: 2025-08-04. Review status: criteria provided, single submitter. Criteria: Ambry Variant Classification Scheme 2023. Collection method: clinical testing. Allele origin: germline.

Labcorp Genetics (formerly Invitae), Labcorp
Classification: Uncertain significance. Last evaluated: 2023-09-05. Review status: criteria provided, single submitter. Criteria: Invitae Variant Classification Sherloc (09022015). Collection method: clinical testing. Allele origin: germline.
Comment: ClinVar contains an entry for this variant (Variation ID: 2153812). In summary, the available evidence is currently insufficient to determine the role of this variant in disease. Therefore, it has been classified as a Variant of Uncertain Significance. An algorithm developed to predict the effect of missense changes on protein structure and function (PolyPhen-2) suggests that this variant is likely to be disruptive. This variant has not been reported in the literature in individuals affected with TMPRSS15-related conditions. This variant is present in population databases (rs201269085, gnomAD 0.08%). This sequence change replaces serine, which is neutral and polar, with proline, which is neutral and non-polar, at codon 264 of the TMPRSS15 protein (p.Ser264Pro).

NM_002772.3(TMPRSS15):c.790T>C (p.Ser264Pro)

Gene: TMPRSS15 (transmembrane serine protease 15; minus strand). Cytogenetic location: 21q21.1.
Variant type: single nucleotide variant.
Coding change: c.790T>C on transcript NM_002772.3 (MANE Select); coding-DNA position 790, T replaced by C.
Protein change: p.Ser264Pro; replaces serine 264 with proline.
Molecular consequence: missense variant.
Genome position (GRCh38, 1-based): chr21:18,359,847, A>G on the plus strand (T>C on the coding strand, the complement: TMPRSS15 is on the minus strand). VCF-style: chr21-18359847-A-G. GRCh37 (hg19) VCF-style: chr21-19732164-A-G.
Other names: c.790T>C (NM_002772.2); short protein forms S264P.
Identifiers: ClinVar variation 2153812 (VCV002153812.3), dbSNP rs201269085, ClinGen allele CA9984641.